The following is an entry in ClinVar:

NM_000478.6(ALPL):c.1066G>T (p.Asp356Tyr)

Gene: ALPL (alkaline phosphatase, biomineralization associated; plus strand). Cytogenetic location: 1p36.12.
Variant type: single nucleotide variant.
Coding change: c.1066G>T on transcript NM_000478.6 (MANE Select); coding-DNA position 1066, G replaced by T.
Protein change: p.Asp356Tyr; replaces aspartic acid 356 with tyrosine.
Molecular consequence: missense variant.
Genome position (GRCh38, 1-based): chr1:21,575,801, G>T. VCF-style: chr1-21575801-G-T. GRCh37 (hg19) VCF-style: chr1-21902294-G-T.
Other names: c.901G>T, p.Asp301Tyr (NM_001127501.4); c.835G>T, p.Asp279Tyr (NM_001177520.3); c.1066G>T, p.Asp356Tyr (NM_001369803.2, NM_001369804.2, NM_001369805.2); short protein forms D356Y, D279Y, D301Y.
Identifiers: ClinVar variation 4799870 (VCV004799870.1).

ClinVar aggregate classification (germline): Pathogenic (1 of 4 stars; one submission).

Submission:

Labcorp Genetics (formerly Invitae), Labcorp
Classification: Pathogenic. Last evaluated: 2026-01-04. Review status: criteria provided, single submitter. Criteria: Invitae Variant Classification Sherloc (09022015). Collection method: clinical testing. Allele origin: germline.
Comment: This sequence change replaces aspartic acid, which is acidic and polar, with tyrosine, which is neutral and polar, at codon 356 of the ALPL protein (p.Asp356Tyr). This variant is not present in population databases (gnomAD no frequency). This missense change has been observed in individual(s) with clinical features of hypophosphatasia (internal data). Invitae Evidence Modeling of protein sequence and biophysical properties (such as structural, functional, and spatial information, amino acid conservation, physicochemical variation, residue mobility, and thermodynamic stability) indicates that this missense variant is expected to disrupt ALPL protein function with a positive predictive value of 95%. This variant disrupts the p.Asp356 amino acid residue in ALPL. Other variant(s) that disrupt this residue have been observed in individuals with ALPL-related conditions (PMID: 28401263, 36361766), which suggests that this may be a clinically significant amino acid residue. For these reasons, this variant has been classified as Pathogenic.

Literature cited by the submitters: PubMed 28401263; PubMed 36361766.